The following is an entry in ClinVar:

NM_031935.3(HMCN1):c.2853G>T (p.Gln951His)

Gene: HMCN1 (hemicentin 1; plus strand). Cytogenetic location: 1q31.1.
Variant type: single nucleotide variant.
Coding change: c.2853G>T on transcript NM_031935.3 (MANE Select); coding-DNA position 2853, G replaced by T.
Protein change: p.Gln951His; replaces glutamine 951 with histidine.
Molecular consequence: missense variant.
Genome position (GRCh38, 1-based): chr1:185,984,231, G>T. VCF-style: chr1-185984231-G-T. GRCh37 (hg19) VCF-style: chr1-185953363-G-T.
Other names: short protein forms Q951H.
Identifiers: ClinVar variation 2170853 (VCV002170853.4), dbSNP rs761753309, ClinGen allele CA1291550.

ClinVar aggregate classification (germline): Uncertain significance (1 of 4 stars; one submission).

Allele frequency attached by ClinVar (database versions not stated): gnomAD exomes below 0.00001; TOPMed below 0.00001; ExAC 0.00001; gnomAD 0.00001.
gnomAD v4.1: 5 of 1,613,292 alleles (0.00031%); highest among the groups gnomAD compares: Non-Finnish European, 0.00042%; no homozygotes.

Submission:

Labcorp Genetics (formerly Invitae), Labcorp
Classification: Uncertain significance. Last evaluated: 2026-01-08. Review status: criteria provided, single submitter. Criteria: Invitae Variant Classification Sherloc (09022015). Collection method: clinical testing. Allele origin: germline.
Comment: This sequence change replaces glutamine, which is neutral and polar, with histidine, which is basic and polar, at codon 951 of the HMCN1 protein (p.Gln951His). This variant is present in population databases (rs761753309, gnomAD 0.002%). This variant has not been reported in the literature in individuals affected with HMCN1-related conditions. ClinVar contains an entry for this variant (Variation ID: 2170853). An algorithm developed to predict the effect of missense changes on protein structure and function (PolyPhen-2) suggests that this variant is likely to be tolerated. In summary, the available evidence is currently insufficient to determine the role of this variant in disease. Therefore, it has been classified as a Variant of Uncertain Significance.